The following is an entry in ClinVar:

NM_001999.4(FBN2):c.6077C>T (p.Ser2026Phe)

Gene: FBN2 (fibrillin 2; minus strand). Cytogenetic location: 5q23.3.
Variant type: single nucleotide variant.
Coding change: c.6077C>T on transcript NM_001999.4 (MANE Select); coding-DNA position 6077, C replaced by T.
Protein change: p.Ser2026Phe; replaces serine 2026 with phenylalanine.
Molecular consequence: missense variant.
Genome position (GRCh38, 1-based): chr5:128,300,906, G>A on the plus strand (C>T on the coding strand, the complement: FBN2 is on the minus strand). VCF-style: chr5-128300906-G-A. GRCh37 (hg19) VCF-style: chr5-127636598-G-A.
Other names: p.Ser2026Phe; short protein forms S2026F.
Identifiers: ClinVar variation 263401 (VCV000263401.20), dbSNP rs139668142, ClinGen allele CA3394502.

ClinVar aggregate classification (germline): Conflicting classifications of pathogenicity. Review status: criteria provided, conflicting classifications (1 of 4 stars). 5 submissions from 5 submitters: Uncertain significance (4); Likely benign (1). Last evaluated 2025-09-02.

Conditions:
Cardiovascular phenotype. Identifiers: MedGen CN230736.
Macular degeneration, early-onset (EOMD). Identifiers: MedGen C4015286, MONDO:0014501, OMIM 616118.
Congenital contractural arachnodactyly (CCA). Also called: BEALS SYNDROME; Beals-Hecht syndrome; Arthrogryposis, distal, type 9. Identifiers: Orphanet 115, MedGen C0220668, MONDO:0007363, OMIM 121050.

Allele frequency attached by ClinVar (database versions not stated): gnomAD exomes 0.00001 and 0.00002; ExAC 0.00002; gnomAD 0.00012; TOPMed 0.00014; ESP Exome Variant Server 0.00023.
gnomAD v4.1: 43 of 1,613,856 alleles (0.0027%); highest among the groups gnomAD compares: African/African-American, 0.045%; no homozygotes.

Submissions (5):

GeneDx
Classification: Uncertain significance. Last evaluated: 2025-09-02. Review status: criteria provided, single submitter. Criteria: GeneDx Variant Classification Process June 2021. Collection method: clinical testing. Allele origin: germline. Affected: yes.
Comment: In silico analysis supports that this missense variant has a deleterious effect on protein structure/function; Has not been previously published as pathogenic or benign to our knowledge; Although located in a calcium-binding EGF-like domain of the FBN2 gene, it does not substitute or introduce a cysteine residue (PMID: 19006240, 18767143); This variant is associated with the following publications: (PMID: 19006240, 18767143)

Labcorp Genetics (formerly Invitae), Labcorp
Classification: Likely benign for Congenital contractural arachnodactyly. Last evaluated: 2025-06-12. Review status: criteria provided, single submitter. Criteria: Invitae Variant Classification Sherloc (09022015). Collection method: clinical testing. Allele origin: germline.

Mayo Clinic Laboratories, Mayo Clinic
Classification: Uncertain significance. Last evaluated: 2024-09-04. Review status: criteria provided, single submitter. Criteria: ACMG Guidelines, 2015. Collection method: clinical testing. Allele origin: germline. Observed: 1 variant allele.
Comment: BS1

Fulgent Genetics
Classification: Uncertain significance for Congenital contractural arachnodactyly; Macular degeneration, early-onset. Last evaluated: 2018-10-31. Review status: criteria provided, single submitter. Criteria: ACMG Guidelines, 2015. Collection method: clinical testing. Allele origin: unknown.

Ambry Genetics
Classification: Uncertain significance for Cardiovascular phenotype. Last evaluated: 2012-09-25. Review status: criteria provided, single submitter. Criteria: Ambry Autosomal Dominant and X-Linked criteria (10/2015). Collection method: clinical testing. Allele origin: germline. Observed: 1 variant allele.
Comment: There is insufficient or conflicting evidence for classification of this alteration.